The following is an entry in ClinVar:

NM_001134407.3(GRIN2A):c.2995G>C (p.Ala999Pro)

Gene: GRIN2A (glutamate ionotropic receptor NMDA type subunit 2A; minus strand). Cytogenetic location: 16p13.2.
Variant type: single nucleotide variant.
Coding change: c.2995G>C on transcript NM_001134407.3 (MANE Select); coding-DNA position 2995, G replaced by C.
Protein change: p.Ala999Pro; replaces alanine 999 with proline.
Molecular consequence: missense variant.
Genome position (GRCh38, 1-based): chr16:9,764,549, C>G on the plus strand (G>C on the coding strand, the complement: GRIN2A is on the minus strand). VCF-style: chr16-9764549-C-G. GRCh37 (hg19) VCF-style: chr16-9858406-C-G.
Other names: c.2995G>C, p.Ala999Pro (NM_000833.5, NM_001134408.2); short protein forms A999P.
Identifiers: ClinVar variation 3637279 (VCV003637279.2).

ClinVar aggregate classification (germline): Uncertain significance (1 of 4 stars; one submission).

Conditions:
Landau-Kleffner syndrome (FESD). Also called: EPILEPSY, FOCAL, WITH SPEECH DISORDER AND WITH OR WITHOUT MENTAL RETARDATION; APHASIA, ACQUIRED, WITH EPILEPSY. Identifiers: Orphanet 1945, Orphanet 725, Orphanet 98818, MedGen C0282512, MONDO:0009509, OMIM 245570.

Submission:

Labcorp Genetics (formerly Invitae), Labcorp
Classification: Uncertain significance for Landau-Kleffner syndrome. Last evaluated: 2024-06-13. Review status: criteria provided, single submitter. Criteria: Invitae Variant Classification Sherloc (09022015). Collection method: clinical testing. Allele origin: germline.
Comment: This sequence change replaces alanine, which is neutral and non-polar, with proline, which is neutral and non-polar, at codon 999 of the GRIN2A protein (p.Ala999Pro). This variant is not present in population databases (gnomAD no frequency). This variant has not been reported in the literature in individuals affected with GRIN2A-related conditions. Advanced modeling of protein sequence and biophysical properties (such as structural, functional, and spatial information, amino acid conservation, physicochemical variation, residue mobility, and thermodynamic stability) performed at Invitae indicates that this missense variant is not expected to disrupt GRIN2A protein function with a negative predictive value of 95%. In summary, the available evidence is currently insufficient to determine the role of this variant in disease. Therefore, it has been classified as a Variant of Uncertain Significance.